The following is an entry in ClinVar:

ClinVar aggregate classification (germline): Uncertain significance (1 of 4 stars; one submission).

Submission:

GeneDx
Classification: Uncertain significance. Last evaluated: 2019-08-07. Review status: criteria provided, single submitter. Criteria: GeneDx Variant Classification Process June 2021. Collection method: clinical testing. Allele origin: germline. Affected: yes.
Comment: Not observed in large population cohorts (Lek et al., 2016); In silico analysis, which includes protein predictors and evolutionary conservation, supports that this variant does not alter protein structure/function; Has not been previously published as pathogenic or benign to our knowledge

NM_001322934.2(NFKB2):c.106G>A (p.Asp36Asn)

Gene: NFKB2 (nuclear factor kappa B subunit 2; plus strand). Cytogenetic location: 10q24.32.
Variant type: single nucleotide variant.
Coding change: c.106G>A on transcript NM_001322934.2 (MANE Select); coding-DNA position 106, G replaced by A.
Protein change: p.Asp36Asn; replaces aspartic acid 36 with asparagine.
Molecular consequence: missense variant.
Genome position (GRCh38, 1-based): chr10:102,396,451, G>A. VCF-style: chr10-102396451-G-A. GRCh37 (hg19) VCF-style: chr10-104156208-G-A.
Other names: c.106G>A, p.Asp36Asn (NM_001077494.3, NM_001261403.3, NM_001288724.1 and 2 more transcripts); short protein forms D36N.
Identifiers: ClinVar variation 1307390 (VCV001307390.2), dbSNP rs2135428891, ClinGen allele CA377895924.